The following is an entry in ClinVar:

ClinVar aggregate classification (germline): Uncertain significance. Review status: criteria provided, multiple submitters, no conflicts (2 of 4 stars). 2 submissions from 2 submitters: Uncertain significance (2). Last evaluated 2025-12-02.

Conditions:
Inborn genetic diseases. Identifiers: MedGen C0950123, MeSH D030342.

gnomAD v4.1: 45 of 1,612,260 alleles (0.0028%); highest among the groups gnomAD compares: South Asian, 0.0088%; no homozygotes.

Submissions (2):

Ambry Genetics
Classification: Uncertain significance for Inborn genetic diseases. Last evaluated: 2025-12-02. Review status: criteria provided, single submitter. Criteria: Ambry Variant Classification Scheme 2023. Collection method: clinical testing. Allele origin: germline.

GeneDx
Classification: Uncertain significance. Last evaluated: 2024-02-24. Review status: criteria provided, single submitter. Criteria: GeneDx Variant Classification Process June 2021. Collection method: clinical testing. Allele origin: germline. Affected: yes.
Comment: Not observed at significant frequency in large population cohorts (gnomAD); In silico analysis supports that this missense variant has a deleterious effect on protein structure/function; Has not been previously published as pathogenic or benign to our knowledge

NM_020971.3(SPTBN4):c.1799G>A (p.Arg600His)

Gene: SPTBN4 (spectrin beta, non-erythrocytic 4; plus strand). Cytogenetic location: 19q13.2.
Variant type: single nucleotide variant.
Coding change: c.1799G>A on transcript NM_020971.3 (MANE Select); coding-DNA position 1799, G replaced by A.
Protein change: p.Arg600His; replaces arginine 600 with histidine.
Molecular consequence: missense variant.
Genome position (GRCh38, 1-based): chr19:40,506,369, G>A. VCF-style: chr19-40506369-G-A. GRCh37 (hg19) VCF-style: chr19-41012276-G-A.
Other names: short protein forms R600H.
Identifiers: ClinVar variation 3369783 (VCV003369783.2).